The following is an entry in ClinVar:

NM_000617.3(SLC11A2):c.1383G>A (p.Thr461=)

Gene: SLC11A2 (solute carrier family 11 member 2; minus strand). Cytogenetic location: 12q13.12.
Variant type: single nucleotide variant.
Coding change: c.1383G>A on transcript NM_000617.3 (MANE Select); coding-DNA position 1383, G replaced by A.
Protein change: p.Thr461=; no amino-acid change (threonine 461 retained).
Molecular consequence: synonymous variant. On other transcripts: non-coding transcript variant (10).
Genome position (GRCh38, 1-based): chr12:50,991,637, C>T on the plus strand (G>A on the coding strand, the complement: SLC11A2 is on the minus strand). VCF-style: chr12-50991637-C-T. GRCh37 (hg19) VCF-style: chr12-51385420-C-T.
Other names: c.1470G>A, p.Thr490= (NM_001174125.2, NM_001379446.1, NM_001379455.1); c.1383G>A, p.Thr461= (NM_001174126.2, NM_001174127.2, NM_001174128.2 and 5 more transcripts); c.1371G>A, p.Thr457= (NM_001174130.2, NM_001379448.1); c.1272G>A, p.Thr424= (NM_001414747.1, NM_001414748.1); c.1146G>A, p.Thr382= (NM_001414749.1, NM_001414750.1).
Identifiers: ClinVar variation 2642995 (VCV002642995.27), dbSNP rs367647083, ClinGen allele CA6566494.

ClinVar aggregate classification (germline): Benign/Likely benign. Review status: criteria provided, multiple submitters, no conflicts (2 of 4 stars). 3 submissions from 3 submitters: Benign (1); Likely benign (2). Last evaluated 2025-12-01.

Allele frequency attached by ClinVar (database versions not stated): TOPMed 0.00007; ESP Exome Variant Server 0.00008; 1000 Genomes Project 0.00060; 1000 Genomes Project 30x 0.00062.
gnomAD v4.1: 210 of 1,613,722 alleles (0.013%); highest among the groups gnomAD compares: South Asian, 0.15%; 5 homozygotes.

Submissions (3):

CeGaT Center for Human Genetics Tuebingen
Classification: Likely benign. Last evaluated: 2025-12-01. Review status: criteria provided, single submitter. Criteria: CeGaT Center For Human Genetics Tuebingen Variant Classification Criteria Version 2. Collection method: clinical testing. Allele origin: germline. Affected: yes. Observed: 3 variant alleles.
Comment: SLC11A2: BP4, BP7

Labcorp Genetics (formerly Invitae), Labcorp
Classification: Benign. Last evaluated: 2025-08-29. Review status: criteria provided, single submitter. Criteria: Invitae Variant Classification Sherloc (09022015). Collection method: clinical testing. Allele origin: germline.

Blueprint Genetics
Classification: Likely benign. Last evaluated: 2024-11-13. Review status: criteria provided, single submitter. Criteria: ACMG Guidelines, 2015. Collection method: clinical testing. Allele origin: germline.